The following is an entry in ClinVar:

NM_001145026.2(PTPRQ):c.2327T>C (p.Ile776Thr)

Gene: PTPRQ (protein tyrosine phosphatase receptor type Q; plus strand). Cytogenetic location: 12q21.31.
Variant type: single nucleotide variant.
Coding change: c.2327T>C on transcript NM_001145026.2 (MANE Select); coding-DNA position 2327, T replaced by C.
Protein change: p.Ile776Thr; replaces isoleucine 776 with threonine.
Molecular consequence: missense variant.
Genome position (GRCh38, 1-based): chr12:80,506,078, T>C. VCF-style: chr12-80506078-T-C. GRCh37 (hg19) VCF-style: chr12-80899857-T-C.
Other names: short protein forms I776T.
Identifiers: ClinVar variation 1194329 (VCV001194329.7), dbSNP rs147541734, ClinGen allele CA6702530.
Genomic context (GRCh38, chr12:80,506,078, plus strand): 5'-TTTCAGTGCCTGATAGTGCACCAGAAAATATCACTTACAAAAATATTTCTTCTGGAGAGA[T>C]TGAGCTATCATTCCTTCCCCCAAGTAGTCCCAATGGAATCATACAAAAATATACAATTTA-3'
Protein context (NP_001138498.1, residues 766-786): ITYKNISSGE[Ile776Thr]ELSFLPPSSP

ClinVar aggregate classification (germline): Likely benign. Review status: criteria provided, multiple submitters, no conflicts (2 of 4 stars). 2 submissions from 2 submitters: Likely benign (2). Last evaluated 2024-06-25.

Allele frequency attached by ClinVar (database versions not stated): gnomAD 0.00036 and 0.00054; TOPMed 0.00066; 1000 Genomes Project 0.00319; 1000 Genomes Project 30x 0.00328.
gnomAD v4.1: 540 of 1,547,208 alleles (0.035%); highest among the groups gnomAD compares: East Asian, 1.2%; 3 homozygotes.

Submissions (2):

GeneDx
Classification: Likely benign. Last evaluated: 2024-06-25. Review status: criteria provided, single submitter. Criteria: GeneDx Variant Classification Process June 2021. Collection method: clinical testing. Allele origin: germline. Affected: yes.
Comment: See Variant Classification Assertion Criteria.

Blueprint Genetics
Classification: Likely benign. Last evaluated: 2024-06-06. Review status: criteria provided, single submitter. Criteria: ACMG Guidelines, 2015. Collection method: clinical testing. Allele origin: germline.